The following is an entry in ClinVar:

ClinVar aggregate classification (germline): Likely benign. Review status: criteria provided, multiple submitters, no conflicts (2 of 4 stars). 2 submissions from 2 submitters: Likely benign (2). Last evaluated 2025-11-18.

Allele frequency attached by ClinVar (database versions not stated): gnomAD exomes 0.00005 and 0.00014; ExAC 0.00007; gnomAD 0.00013 and 0.00015; TOPMed 0.00020.
gnomAD v4.1: 95 of 1,613,650 alleles (0.0059%); highest among the groups gnomAD compares: Admixed American, 0.078%; 1 homozygote.

Submissions (2):

Labcorp Genetics (formerly Invitae), Labcorp
Classification: Likely benign. Last evaluated: 2025-11-18. Review status: criteria provided, single submitter. Criteria: Invitae Variant Classification Sherloc (09022015). Collection method: clinical testing. Allele origin: germline.

GeneDx
Classification: Likely benign. Last evaluated: 2018-04-26. Review status: criteria provided, single submitter. Criteria: GeneDx Variant Classification (06012015). Collection method: clinical testing. Allele origin: germline. Affected: yes.
Comment: This variant is considered likely benign or benign based on one or more of the following criteria: it is a conservative change, it occurs at a poorly conserved position in the protein, it is predicted to be benign by multiple in silico algorithms, and/or has population frequency not consistent with disease.

NM_017909.4(RMND1):c.534G>A (p.Thr178=)

Gene: RMND1 (required for meiotic nuclear division 1 homolog; minus strand). Cytogenetic location: 6q25.1.
Variant type: single nucleotide variant.
Coding change: c.534G>A on transcript NM_017909.4 (MANE Select); coding-DNA position 534, G replaced by A.
Protein change: p.Thr178=; no amino-acid change (threonine 178 retained).
Molecular consequence: synonymous variant.
Genome position (GRCh38, 1-based): chr6:151,436,525, C>T on the plus strand (G>A on the coding strand, the complement: RMND1 is on the minus strand). VCF-style: chr6-151436525-C-T. GRCh37 (hg19) VCF-style: chr6-151757660-C-T.
Other names: c.24G>A, p.Thr8= (NM_001271937.2).
Identifiers: ClinVar variation 681596 (VCV000681596.8), dbSNP rs751595982, ClinGen allele CA4050996.